The following is an entry in ClinVar:

ClinVar aggregate classification (germline): Benign/Likely benign. Review status: criteria provided, multiple submitters, no conflicts (2 of 4 stars). 27 submissions from 27 submitters: Benign (9); Likely benign (8). 10 of the submissions do not count toward it. Last evaluated 2026-02-03.

Conditions:
Breast neoplasm. Also called: Neoplasm of the breast; Neoplasm of breast; Breast tumor; Breast Neoplasms. Identifiers: MedGen C1458155, MeSH D001943, MONDO:0021100, HP:0100013. Disease mechanism: gain of function.
Hereditary cancer-predisposing syndrome. Also called: Tumor predisposition; Neoplastic Syndromes, Hereditary; Hereditary neoplastic syndrome; Hereditary Cancer Syndrome. Identifiers: Orphanet 140162, MedGen C0027672, MeSH D009386, MONDO:0015356.
Hereditary breast ovarian cancer syndrome. Also called: Hereditary breast and ovarian cancer; BRCA1- and BRCA2-Associated Hereditary Breast and Ovarian Cancer; Hereditary breast and/or ovarian cancer syndrome; Hereditary breast and ovarian cancer syndrome; Breast and ovarian cancer; Hereditary breast and ovarian cancer syndrome (HBOC). Identifiers: Orphanet 145, MedGen C0677776, MeSH D061325, MONDO:0003582. Disease mechanism: loss of function.
Breast-ovarian cancer, familial, susceptibility to, 2 (BROVCA2). Also called: BRCA2 Hereditary Breast and Ovarian Cancer. Identifiers: Orphanet 145, MedGen C2675520, MONDO:0012933, OMIM 612555. Disease mechanism: loss of function.
Malignant tumor of breast. Also called: Malignant breast neoplasm; Cancer breast. Identifiers: MedGen C0006142, MONDO:0007254. Disease mechanism: loss of function.

Allele frequency attached by ClinVar (database versions not stated): gnomAD exomes 0.00011 and 0.00035; ExAC 0.00050; TOPMed 0.00132; gnomAD 0.00133 and 0.00138; ESP Exome Variant Server 0.00146; 1000 Genomes Project 30x 0.00203; 1000 Genomes Project 0.00240.
gnomAD v4.1: 362 of 1,614,142 alleles (0.022%); highest among the groups gnomAD compares: African/African-American, 0.45%; no homozygotes.

Submissions 1 to 24 of 27:

Labcorp Genetics (formerly Invitae), Labcorp
Classification: Benign for Hereditary breast ovarian cancer syndrome. Last evaluated: 2026-02-03. Review status: criteria provided, single submitter. Criteria: Invitae Variant Classification Sherloc (09022015). Collection method: clinical testing. Allele origin: germline.

Dasa
Classification: Benign for Breast-ovarian cancer, familial, susceptibility to, 2. Last evaluated: 2026-01-03. Review status: criteria provided, single submitter. Criteria: DASA Assertion Criteria. Collection method: clinical testing. Allele origin: germline.
Comment: NM_000059.4(BRCA2):c.2138A>T (p.Gln713Leu) is a missense variant that results in the substitution of glutamine with leucine. Population frequency is inconsistent with a disease-causing role for this variant. Therefore, based on the currently available evidence, this variant is classified as benign.

Blueprint Genetics
Classification: Likely benign. Last evaluated: 2024-10-11. Review status: criteria provided, single submitter. Criteria: ACMG Guidelines, 2015. Collection method: clinical testing. Allele origin: germline.

Institute for Biomarker Research, Medical Diagnostic Laboratories, L.L.C.
Classification: Benign for Hereditary breast ovarian cancer syndrome. Last evaluated: 2023-02-14. Review status: criteria provided, single submitter. Criteria: ACMG Guidelines, 2015. Collection method: clinical testing. Allele origin: germline.

Quest Diagnostics Nichols Institute San Juan Capistrano
Classification: Benign. Last evaluated: 2022-12-01. Review status: criteria provided, single submitter. Criteria: Quest Diagnostics criteria. Collection method: clinical testing. Allele origin: unknown.

National Health Laboratory Service, Universitas Academic Hospital and University of the Free State
Classification: Likely benign for Hereditary breast ovarian cancer syndrome. Last evaluated: 2022-04-19. Review status: criteria provided, single submitter. Criteria: ACMG Guidelines, 2015. Collection method: clinical testing. Allele origin: germline. Affected: yes. Observed: 8 variant alleles.

Genetic Services Laboratory, University of Chicago
Classification: Benign. Last evaluated: 2021-05-24. Review status: criteria provided, single submitter. Criteria: ACMG Guidelines, 2015. Collection method: clinical testing. Allele origin: germline. Affected: no.

GeneDx
Classification: Likely benign. Last evaluated: 2021-05-17. Review status: criteria provided, single submitter. Criteria: GeneDx Variant Classification Process June 2021. Collection method: clinical testing. Allele origin: germline. Affected: yes.
Comment: This variant is associated with the following publications: (PMID: 26332594, 24055113, 15744044, 12474142, 24728327, 19491284, 23231788, 12491487, 25556971, 22034289, 25637381, 28814288, 18284688)

Sema4
Classification: Benign for Hereditary cancer-predisposing syndrome. Last evaluated: 2020-12-08. Review status: criteria provided, single submitter. Criteria: Sema4 Curation Guidelines. Collection method: curation. Allele origin: germline.

Mendelics
Classification: Benign for Breast-ovarian cancer, familial, susceptibility to, 2. Last evaluated: 2019-05-28. Review status: criteria provided, single submitter. Criteria: Mendelics Assertion Criteria 2017. Collection method: clinical testing. Allele origin: unknown.

Ambry Genetics
Classification: Benign for Hereditary cancer-predisposing syndrome. Last evaluated: 2018-09-11. Review status: criteria provided, single submitter. Criteria: Ambry Variant Classification Scheme 2023. Collection method: clinical testing. Allele origin: germline.

Eurofins Ntd Llc (ga)
Classification: Likely benign. Last evaluated: 2018-01-16. Review status: criteria provided, single submitter. Criteria: EGL Classification Definitions 2015. Collection method: clinical testing. Allele origin: germline.

ARUP Laboratories, Molecular Genetics and Genomics, ARUP Laboratories
Classification: Likely benign. Last evaluated: 2017-07-17. Review status: criteria provided, single submitter. Criteria: ARUP Molecular Germline Variant Investigation Process. Collection method: clinical testing. Allele origin: germline.

PreventionGenetics, part of Exact Sciences
Classification: Likely benign. Last evaluated: 2017-07-11. Review status: criteria provided, single submitter. Criteria: ACMG Guidelines, 2015. Collection method: clinical testing. Allele origin: germline.

Color Diagnostics, LLC DBA Color Health
Classification: Benign for Hereditary cancer-predisposing syndrome. Last evaluated: 2016-05-24. Review status: criteria provided, single submitter. Criteria: ACMG Guidelines, 2015. Collection method: clinical testing. Allele origin: germline.

Molecular Genetics Laboratory, University of Michigan
Classification: Likely benign for Breast-ovarian cancer, familial, susceptibility to, 2. Last evaluated: 2014-11-03. Review status: criteria provided, single submitter. Criteria: ACMG Guidelines, 2015. Collection method: clinical testing. Allele origin: germline. Affected: yes.

Breakthrough Genomics
Classification: Likely benign. Review status: criteria provided, single submitter. Criteria: ACMG Guidelines, 2015. Collection method: not provided. Allele origin: germline. Inheritance: Autosomal recessive inheritance. Affected: yes.

Pathway Genomics
Classification: Likely benign for hereditary breast and ovarian cancer, BROVCA2. Last evaluated: 2014-12-11. Review status: no assertion criteria provided. Collection method: clinical testing. Allele origin: germline. Observed: 1 variant allele. Not counted in ClinVar's aggregate classification.

CSER _CC_NCGL, University of Washington
Classification: Uncertain significance for Breast cancer. Last evaluated: 2014-06-01. Review status: no assertion criteria provided. Collection method: research. Allele origin: germline. Inheritance: Autosomal dominant inheritance. Study: ESP 6500 variant annotation. Not counted in ClinVar's aggregate classification.
Comment: Variants classified for the Actionable exomic incidental findings in 6503 participants: challenges of variant classification manuscript

ITMI
No classification provided. Condition: AllHighlyPenetrant. Last evaluated: 2013-09-19. Review status: no classification provided. Collection method: reference population. Allele origin: germline. Not counted in ClinVar's aggregate classification.
Comment: Please see associated publication for description of ethnicities

Sharing Clinical Reports Project (SCRP)
Classification: Uncertain significance for Breast-ovarian cancer, familial 2. Last evaluated: 2008-03-24. Review status: no assertion criteria provided. Collection method: clinical testing. Allele origin: germline. Not counted in ClinVar's aggregate classification.

Breast Cancer Information Core (BIC) (BRCA2)
Classification: Uncertain significance for Breast-ovarian cancer, familial 2. Last evaluated: 2002-05-29. Review status: no assertion criteria provided. Collection method: clinical testing. Allele origin: germline. Affected: yes. Observed: 10 variant alleles. Not counted in ClinVar's aggregate classification.

Clinical Genetics DNA and cytogenetics Diagnostics Lab, Erasmus MC, Erasmus Medical Center
Classification: Likely benign. Review status: no assertion criteria provided. Collection method: clinical testing. Allele origin: germline. Affected: yes. Study: VKGL Data-share Consensus. Not counted in ClinVar's aggregate classification.

Clinical Genetics Laboratory, Department of Pathology, Netherlands Cancer Institute
Classification: Likely benign. Review status: no assertion criteria provided. Collection method: clinical testing. Allele origin: germline. Affected: yes. Study: VKGL Data-share Consensus. Not counted in ClinVar's aggregate classification.

NM_000059.4(BRCA2):c.2138A>T (p.Gln713Leu)

Gene: BRCA2 (BRCA2 DNA repair associated; plus strand). Cytogenetic location: 13q13.1.
Variant type: single nucleotide variant.
Coding change: c.2138A>T on transcript NM_000059.4 (MANE Select); coding-DNA position 2138, A replaced by T.
Protein change: p.Gln713Leu; replaces glutamine 713 with leucine.
Molecular consequence: missense variant.
Genome position (GRCh38, 1-based): chr13:32,336,493, A>T. VCF-style: chr13-32336493-A-T. GRCh37 (hg19) VCF-style: chr13-32910630-A-T.
Other names: p.Q713L:CAG>CTG; NP_000050.3:p.Gln713Leu; 2366A>T; short protein forms Q713L.
Identifiers: ClinVar variation 51249 (VCV000051249.55), dbSNP rs55816687, ClinGen allele CA014431.
Genomic context (GRCh38, chr13:32,336,493, plus strand): 5'-GTAATAAGGAAAAACTACAGTTATTTATTACCCCAGAAGCTGATTCTCTGTCATGCCTGC[A>T]GGAAGGACAGTGTGAAAATGATCCAAAAAGCAAAAAAGTTTCAGATATAAAAGAAGAGGT-3'
Protein context (NP_000050.3, residues 703-723): TPEADSLSCL[Gln713Leu]EGQCENDPKS